The following is an entry in ClinVar:

ClinVar aggregate classification (germline): Uncertain significance (1 of 4 stars; one submission).

gnomAD v4.1: 12 of 1,614,142 alleles (0.00074%); highest among the groups gnomAD compares: South Asian, 0.0033%; no homozygotes.

Submission:

Labcorp Genetics (formerly Invitae), Labcorp
Classification: Uncertain significance. Last evaluated: 2026-01-06. Review status: criteria provided, single submitter. Criteria: Invitae Variant Classification Sherloc (09022015). Collection method: clinical testing. Allele origin: germline.
Comment: This sequence change affects codon 108 of the COL4A1 mRNA. It is a 'silent' change, meaning that it does not change the encoded amino acid sequence of the COL4A1 protein. It affects a nucleotide within the consensus splice site. This variant is present in population databases (rs61759487, gnomAD 0.01%). This variant has not been reported in the literature in individuals affected with COL4A1-related conditions. Algorithms developed to predict the effect of sequence changes on RNA splicing suggest that this variant is not likely to affect RNA splicing. In summary, the available evidence is currently insufficient to determine the role of this variant in disease. Therefore, it has been classified as a Variant of Uncertain Significance.

NM_001845.6(COL4A1):c.324C>T (p.Pro108=)

Gene: COL4A1 (collagen type IV alpha 1 chain; minus strand). Cytogenetic location: 13q34.
Variant type: single nucleotide variant.
Coding change: c.324C>T on transcript NM_001845.6 (MANE Select); coding-DNA position 324, C replaced by T.
Protein change: p.Pro108=; no amino-acid change (proline 108 retained).
Molecular consequence: synonymous variant.
Genome position (GRCh38, 1-based): chr13:110,212,574, G>A on the plus strand (C>T on the coding strand, the complement: COL4A1 is on the minus strand). VCF-style: chr13-110212574-G-A. GRCh37 (hg19) VCF-style: chr13-110864921-G-A.
Other names: c.324C>T, p.Pro108= (NM_001303110.2).
Identifiers: ClinVar variation 4742393 (VCV004742393.1).
Genomic context (GRCh38, chr13:110,212,574, plus strand): 5'-GAAAATCGCCTGATGGAAGAATATTTCATAAAAGAAGTAGAGCACGTTTTCTATACATAC[G>A]GGAAGTCCTGGGTTTCCAGGGTAGCCAGATGCTCCCGGAGGTCCCTGTGAGGGCGGAAGT-3'
Protein context (NP_001836.3, residues 98-118): ASGYPGNPGL[Pro108=]GIPGQDGPPG